The following is an entry in ClinVar:

NM_000057.4(BLM):c.3080T>G (p.Val1027Gly)

Gene: BLM (BLM RecQ like helicase; plus strand). Cytogenetic location: 15q26.1.
Variant type: single nucleotide variant.
Coding change: c.3080T>G on transcript NM_000057.4 (MANE Select); coding-DNA position 3080, T replaced by G.
Protein change: p.Val1027Gly; replaces valine 1027 with glycine.
Molecular consequence: missense variant.
Genome position (GRCh38, 1-based): chr15:90,794,227, T>G. VCF-style: chr15-90794227-T-G. GRCh37 (hg19) VCF-style: chr15-91337457-T-G.
Other names: c.3080T>G, p.Val1027Gly (NM_001287246.2, NM_001287247.2); c.1955T>G, p.Val652Gly (NM_001287248.2); short protein forms V1027G, V652G.
Identifiers: ClinVar variation 3261032 (VCV003261032.1).

ClinVar aggregate classification (germline): Uncertain significance (1 of 4 stars; one submission).

Conditions:
Hereditary cancer-predisposing syndrome. Also called: Hereditary Cancer Syndrome; Tumor predisposition; Hereditary neoplastic syndrome; Neoplastic Syndromes, Hereditary. Identifiers: Orphanet 140162, MedGen C0027672, MeSH D009386, MONDO:0015356.

Submission:

Ambry Genetics
Classification: Uncertain significance for Hereditary cancer-predisposing syndrome. Last evaluated: 2024-04-22. Review status: criteria provided, single submitter. Criteria: Ambry Variant Classification Scheme 2023. Collection method: clinical testing. Allele origin: germline.
Comment: The p.V1027G variant (also known as c.3080T>G), located in coding exon 15 of the BLM gene, results from a T to G substitution at nucleotide position 3080. The valine at codon 1027 is replaced by glycine, an amino acid with dissimilar properties. This amino acid position is conserved. In addition, this alteration is predicted to be deleterious by in silico analysis. Based on the available evidence, the clinical significance of this variant remains unclear.